The following is an entry in ClinVar:

ClinVar aggregate classification (germline): Benign/Likely benign. Review status: criteria provided, multiple submitters, no conflicts (2 of 4 stars). 3 submissions from 3 submitters: Benign (1); Likely benign (2). Last evaluated 2025-05-07.

Conditions:
Hereditary cancer-predisposing syndrome. Also called: Tumor predisposition; Neoplastic Syndromes, Hereditary; Hereditary Cancer Syndrome; Hereditary neoplastic syndrome. Identifiers: Orphanet 140162, MedGen C0027672, MeSH D009386, MONDO:0015356.
Familial cancer of breast. Also called: BREAST CANCER, FAMILIAL; Hereditary breast cancer; hereditary breast carcinoma. Identifiers: Orphanet 227535, MedGen C0346153, MONDO:0016419, OMIM 114480. Disease mechanism: loss of function.
Ataxia-telangiectasia syndrome (AT). Also called: Cerebello-oculocutaneous telangiectasia; Immunodeficiency with ataxia telangiectasia; ATAXIA-TELANGIECTASIA, COMPLEMENTATION GROUP A; Ataxia-telangiectasia, complementation group D; AT, COMPLEMENTATION GROUP C; ATAXIA-TELANGIECTASIA, FRESNO VARIANT. Identifiers: Orphanet 100, MedGen C0004135, MONDO:0008840, OMIM 208900.

Allele frequency attached by ClinVar (database versions not stated): gnomAD exomes below 0.00001; TOPMed below 0.00001; gnomAD 0.00001.
gnomAD v4.1: 3 of 1,613,776 alleles (0.00019%); highest among the groups gnomAD compares: Non-Finnish European, 0.00025%; no homozygotes.

Submissions (3):

Labcorp Genetics (formerly Invitae), Labcorp
Classification: Likely benign for Ataxia-telangiectasia syndrome. Last evaluated: 2025-05-07. Review status: criteria provided, single submitter. Criteria: Invitae Variant Classification Sherloc (09022015). Collection method: clinical testing. Allele origin: germline.

Myriad Genetics, Inc.
Classification: Benign for Familial cancer of breast. Last evaluated: 2024-05-15. Review status: criteria provided, single submitter. Criteria: Myriad Autosomal Dominant, Autosomal Recessive and X-Linked Classification Criteria (2023). Collection method: clinical testing. Allele origin: unknown.
Comment: This variant is considered benign. This variant is a silent/synonymous amino acid change and it is not expected to impact splicing.

Ambry Genetics
Classification: Likely benign for Hereditary cancer-predisposing syndrome. Last evaluated: 2016-08-23. Review status: criteria provided, single submitter. Criteria: Ambry Variant Classification Scheme 2023. Collection method: clinical testing. Allele origin: germline.

NM_000051.4(ATM):c.3921G>A (p.Gly1307=)

Gene: ATM (ATM serine/threonine kinase; plus strand). Cytogenetic location: 11q22.3.
Variant type: single nucleotide variant.
Coding change: c.3921G>A on transcript NM_000051.4 (MANE Select); coding-DNA position 3921, G replaced by A.
Protein change: p.Gly1307=; no amino-acid change (glycine 1307 retained).
Molecular consequence: synonymous variant.
Genome position (GRCh38, 1-based): chr11:108,284,401, G>A. VCF-style: chr11-108284401-G-A. GRCh37 (hg19) VCF-style: chr11-108155128-G-A.
Other names: c.3921G>A, p.Gly1307= (NM_001351834.2).
Identifiers: ClinVar variation 478932 (VCV000478932.15), dbSNP rs969461745, ClinGen allele CA228368285.